The following is an entry in ClinVar:

NM_015046.7(SETX):c.1012A>G (p.Thr338Ala)

Gene: SETX (senataxin; minus strand). Cytogenetic location: 9q34.13.
Variant type: single nucleotide variant.
Coding change: c.1012A>G on transcript NM_015046.7 (MANE Select); coding-DNA position 1012, A replaced by G.
Protein change: p.Thr338Ala; replaces threonine 338 with alanine.
Molecular consequence: missense variant.
Genome position (GRCh38, 1-based): chr9:132,331,138, T>C on the plus strand (A>G on the coding strand, the complement: SETX is on the minus strand). VCF-style: chr9-132331138-T-C. GRCh37 (hg19) VCF-style: chr9-135206525-T-C.
Other names: c.1012A>G, p.Thr338Ala (NM_001351527.2, NM_001351528.2); short protein forms T338A.
Identifiers: ClinVar variation 939269 (VCV000939269.10), dbSNP rs999767103, ClinGen allele CA200815237.

ClinVar aggregate classification (germline): Uncertain significance (1 of 4 stars; one submission).

Conditions:
Amyotrophic lateral sclerosis type 4 (ALS4). Also called: NEURONOPATHY, DISTAL HEREDITARY MOTOR, WITH PYRAMIDAL FEATURES; AMYOTROPHIC LATERAL SCLEROSIS 4, JUVENILE. Identifiers: Orphanet 357043, MedGen C1865409, MONDO:0011223, OMIM 602433.
Spinocerebellar ataxia, autosomal recessive, with axonal neuropathy 2 (SCAN2). Also called: Ataxia-ocular apraxia-2; ATAXIA-OCULOMOTOR APRAXIA 2; Ataxia with Oculomotor Apraxia; Ataxia with Oculomotor Apraxia Type 2. Identifiers: Orphanet 64753, MedGen C1853761, MONDO:0018996, OMIM 606002.

Allele frequency attached by ClinVar (database versions not stated): gnomAD exomes below 0.00001; gnomAD 0.00001; TOPMed 0.00002.
gnomAD v4.1: 3 of 1,612,722 alleles (0.00019%); highest among the groups gnomAD compares: African/African-American, 0.004%; no homozygotes.

Submission:

Labcorp Genetics (formerly Invitae), Labcorp
Classification: Uncertain significance for Amyotrophic lateral sclerosis type 4; Spinocerebellar ataxia, autosomal recessive, with axonal neuropathy 2. Last evaluated: 2019-06-29. Review status: criteria provided, single submitter. Criteria: Invitae Variant Classification Sherloc (09022015). Collection method: clinical testing. Allele origin: germline.
Comment: This sequence change replaces threonine with alanine at codon 338 of the SETX protein (p.Thr338Ala). The threonine residue is moderately conserved and there is a small physicochemical difference between threonine and alanine. This variant is not present in population databases (ExAC no frequency). This variant has not been reported in the literature in individuals with SETX-related conditions. Algorithms developed to predict the effect of missense changes on protein structure and function output the following: SIFT: "Deleterious"; PolyPhen-2: "Benign"; Align-GVGD: "Class C0". The alanine amino acid residue is found in multiple mammalian species, suggesting that this missense change does not adversely affect protein function. These predictions have not been confirmed by published functional studies and their clinical significance is uncertain. In summary, the available evidence is currently insufficient to determine the role of this variant in disease. Therefore, it has been classified as a Variant of Uncertain Significance.